The following is an entry in ClinVar:

NM_016169.4(SUFU):c.601G>A (p.Val201Ile)

Gene: SUFU (SUFU negative regulator of hedgehog signaling; plus strand). Cytogenetic location: 10q24.32.
Variant type: single nucleotide variant.
Coding change: c.601G>A on transcript NM_016169.4 (MANE Select); coding-DNA position 601, G replaced by A.
Protein change: p.Val201Ile; replaces valine 201 with isoleucine.
Molecular consequence: missense variant.
Genome position (GRCh38, 1-based): chr10:102,593,639, G>A. VCF-style: chr10-102593639-G-A. GRCh37 (hg19) VCF-style: chr10-104353396-G-A.
Other names: c.601G>A, p.Val201Ile (NM_001178133.2); short protein forms V201I.
Identifiers: ClinVar variation 645060 (VCV000645060.19), dbSNP rs147695965, ClinGen allele CA5667731.
Genomic context (GRCh38, chr10:102,593,639, plus strand): 5'-TTCTTGGGGTGGGGGGTGGCCATTAACACACAATGGGCTTTCTATCCTGGGCCTCAGATC[G>A]TTGGTGTCTGCACTGAAGAGCTACACTCAGCCCAGCAGTGGAACGGGCAGGGCATCCTGG-3'
Protein context (NP_057253.2, residues 191-211): PFGVVTFLQI[Val201Ile]GVCTEELHSA

ClinVar aggregate classification (germline): Uncertain significance. Review status: criteria provided, multiple submitters, no conflicts (2 of 4 stars). 3 submissions from 3 submitters: Uncertain significance (3). Last evaluated 2025-12-10.

Conditions:
Gorlin syndrome. Also called: Basal cell nevus syndrome; Nevoid Basal Cell Carcinoma Syndrome. Identifiers: Orphanet 377, MedGen C0004779, MONDO:0007187.
Medulloblastoma (MDB). Also called: MEDULLOBLASTOMA PREDISPOSITION SYNDROME; Medulloblastoma, somatic. Identifiers: Orphanet 616, MedGen C0025149, MeSH D008527, MONDO:0007959, OMIM 155255, HP:0002885.
Joubert syndrome 32 (JBTS32). Identifiers: MedGen C4540342, MONDO:0033309, OMIM 617757.
Basal cell nevus syndrome 2 (BCNS2). Also called: NEVOID BASAL CELL CARCINOMA SYNDROME 2. Identifiers: MedGen C5830451, MONDO:0958189, OMIM 620343.
Familial meningioma. Also called: Meningioma, familial, susceptibility to. Identifiers: Orphanet 263662, MedGen C3551915, MONDO:0011789, OMIM 607174.
Hereditary cancer-predisposing syndrome. Also called: Neoplastic Syndromes, Hereditary; Hereditary Cancer Syndrome; Hereditary neoplastic syndrome; Tumor predisposition. Identifiers: Orphanet 140162, MedGen C0027672, MeSH D009386, MONDO:0015356.

Allele frequency attached by ClinVar (database versions not stated): TOPMed below 0.00001; gnomAD 0.00001; gnomAD exomes 0.00001; ExAC 0.00003; ESP Exome Variant Server 0.00008.

Submissions (3):

Labcorp Genetics (formerly Invitae), Labcorp
Classification: Uncertain significance for Gorlin syndrome; Medulloblastoma. Last evaluated: 2025-12-10. Review status: criteria provided, single submitter. Criteria: Invitae Variant Classification Sherloc (09022015). Collection method: clinical testing. Allele origin: germline.
Comment: This sequence change replaces valine, which is neutral and non-polar, with isoleucine, which is neutral and non-polar, at codon 201 of the SUFU protein (p.Val201Ile). This variant is present in population databases (rs147695965, gnomAD 0.006%). This variant has not been reported in the literature in individuals affected with SUFU-related conditions. ClinVar contains an entry for this variant (Variation ID: 645060). Invitae Evidence Modeling of protein sequence and biophysical properties (such as structural, functional, and spatial information, amino acid conservation, physicochemical variation, residue mobility, and thermodynamic stability) indicates that this missense variant is not expected to disrupt SUFU protein function with a negative predictive value of 80%. In summary, the available evidence is currently insufficient to determine the role of this variant in disease. Therefore, it has been classified as a Variant of Uncertain Significance.

Ambry Genetics
Classification: Uncertain significance for Hereditary cancer-predisposing syndrome. Last evaluated: 2025-04-10. Review status: criteria provided, single submitter. Criteria: Ambry Variant Classification Scheme 2023. Collection method: clinical testing. Allele origin: germline.
Comment: The p.V201I variant (also known as c.601G>A), located in coding exon 5 of the SUFU gene, results from a G to A substitution at nucleotide position 601. The valine at codon 201 is replaced by isoleucine, an amino acid with highly similar properties. This amino acid position is highly conserved in available vertebrate species. In addition, the in silico prediction for this alteration is inconclusive. Since supporting evidence is limited at this time, the clinical significance of this alteration remains unclear.

Fulgent Genetics
Classification: Uncertain significance for Medulloblastoma; Familial meningioma; Joubert syndrome 32; Basal cell nevus syndrome 2. Last evaluated: 2024-03-01. Review status: criteria provided, single submitter. Criteria: ACMG Guidelines, 2015. Collection method: clinical testing. Allele origin: germline.